The following is an entry in ClinVar:

ClinVar aggregate classification (germline): Uncertain significance (1 of 4 stars; one submission).

Conditions:
CACNA1F-related disorder. Also called: CACNA1F-related condition.

gnomAD v4.1: 11 of 1,177,071 alleles (0.00093%); highest among the groups gnomAD compares: African/African-American, 0.0018%; no homozygotes.

Submission:

PreventionGenetics, part of Exact Sciences
Classification: Uncertain significance for CACNA1F-related condition. Last evaluated: 2025-08-27. Review status: criteria provided, single submitter. Criteria: ACMG Guidelines, 2015. Collection method: clinical testing. Allele origin: germline.
Comment: The CACNA1F c.1385A>G variant is predicted to result in the amino acid substitution p.His462Arg. To our knowledge, this variant has not been reported in the literature. This variant is present in 0.0019% of alleles in individuals of European (Non-Finnish) descent in gnomAD. At this time, the clinical significance of this variant is uncertain due to the absence of conclusive functional and genetic evidence.

NM_001256789.3(CACNA1F):c.1352A>G (p.His451Arg)

Gene: CACNA1F (calcium voltage-gated channel subunit alpha1 F; minus strand). Cytogenetic location: Xp11.23.
Variant type: single nucleotide variant.
Coding change: c.1352A>G on transcript NM_001256789.3 (MANE Select); coding-DNA position 1352, A replaced by G.
Protein change: p.His451Arg; replaces histidine 451 with arginine.
Molecular consequence: missense variant.
Genome position (GRCh38, 1-based): chrX:49,226,627, T>C on the plus strand (A>G on the coding strand, the complement: CACNA1F is on the minus strand). VCF-style: chrX-49226627-T-C. GRCh37 (hg19) VCF-style: chrX-49083089-T-C.
Other names: c.1190A>G, p.His397Arg (NM_001256790.3); c.1385A>G, p.His462Arg (NM_005183.4); short protein forms H451R, H462R, H397R.
Identifiers: ClinVar variation 4981109 (VCV004981109.1).
Genomic context (GRCh38, chrX:49,226,627, plus strand): 5'-CCTCTGCCTACCCACCCCCACCCCAGCCTGGCTGGACCCCCACCATGGCTGCTGGTGGAG[T>C]GTGTGGAGCGAGTAGAATGACTGAACCAGCGCAGACGTCCACGCCTCCTATTGGTCAGCT-3'
Protein context (NP_001243718.1, residues 441-461): RWFSHSTRST[His451Arg]STSSHASLPA